The following is an entry in ClinVar:

ClinVar aggregate classification (germline): Uncertain significance (1 of 4 stars; one submission).

Conditions:
SEMA3C-related disorder. Also called: SEMA3C-related condition.

Allele frequency attached by ClinVar (database versions not stated): gnomAD exomes 0.00001; ExAC 0.00003; TOPMed 0.00004; gnomAD 0.00005; ESP Exome Variant Server 0.00015.
gnomAD v4.1: 15 of 1,610,744 alleles (0.00093%); highest among the groups gnomAD compares: African/African-American, 0.02%; no homozygotes.

Submission:

PreventionGenetics, part of Exact Sciences
Classification: Uncertain significance for SEMA3C-related condition. Last evaluated: 2026-05-08. Review status: criteria provided, single submitter. Criteria: ACMG Guidelines, 2015. Collection method: clinical testing. Allele origin: germline.
Comment: The SEMA3C c.151T>C variant is predicted to result in the amino acid substitution p.Phe51Leu. To our knowledge, this variant has not been reported in the literature. This variant is reported in 0.036% of alleles in individuals of African descent in gnomAD. At this time, the clinical significance of this variant is uncertain due to the absence of conclusive functional and genetic evidence.

NM_006379.5(SEMA3C):c.97T>C (p.Phe33Leu)

Gene: SEMA3C (semaphorin 3C; minus strand). Cytogenetic location: 7q21.11.
Variant type: single nucleotide variant.
Coding change: c.97T>C on transcript NM_006379.5 (MANE Select); coding-DNA position 97, T replaced by C.
Protein change: p.Phe33Leu; replaces phenylalanine 33 with leucine.
Molecular consequence: missense variant. On other transcripts: 5 prime UTR variant (1).
Genome position (GRCh38, 1-based): chr7:80,916,685, A>G on the plus strand (T>C on the coding strand, the complement: SEMA3C is on the minus strand). VCF-style: chr7-80916685-A-G. GRCh37 (hg19) VCF-style: chr7-80546001-A-G.
Other names: c.151T>C, p.Phe51Leu (NM_001350120.2); c.-166T>C (NM_001350121.2); short protein forms F33L, F51L.
Identifiers: ClinVar variation 2633796 (VCV002633796.2), dbSNP rs146763598, ClinGen allele CA4316600.